The following is an entry in ClinVar:

NM_001079668.3(NKX2-1):c.798_809del (p.Gly268_Gly271del)

Genes: NKX2-1 (NK2 homeobox 1; minus strand), SFTA3 (surfactant associated 3; minus strand). Cytogenetic location: 14q13.3.
Variant type: Deletion.
Coding change: c.798_809del on transcript NM_001079668.3 (MANE Select); coding-DNA positions 798 to 809, 12 bases deleted (CGGGGGCGGCGG).
Protein change: p.Gly268_Gly271del.
Genome position (GRCh38, 1-based): chr14:36,517,675-36,517,686, CCGCCGCCCCCG deleted on the plus strand (CGGGGGCGGCGG on the coding strand, the reverse complement: NKX2-1 is on the minus strand); deleting any 12 consecutive bases within chr14:36,517,675-36,517,694 gives the same sequence; the c. name uses the placement nearest the transcript's 3' end. VCF-style (leftmost placement, unchanged base first): chr14-36517674-CCCGCCGCCCCCG-C. GRCh37 (hg19) VCF-style: chr14-36986879-CCCGCCGCCCCCG-C.
Other names: c.708_719del, p.Gly238_Gly241del (NM_003317.4).
Identifiers: ClinVar variation 3674939 (VCV003674939.2).

ClinVar aggregate classification (germline): Uncertain significance (1 of 4 stars; one submission).

Submission:

Labcorp Genetics (formerly Invitae), Labcorp
Classification: Uncertain significance. Last evaluated: 2025-01-06. Review status: criteria provided, single submitter. Criteria: Invitae Variant Classification Sherloc (09022015). Collection method: clinical testing. Allele origin: germline.
Comment: This variant, c.798_809del, results in the deletion of 4 amino acid(s) of the NKX2-1 protein (p.Gly268_Gly271del), but otherwise preserves the integrity of the reading frame. This variant is not present in population databases (gnomAD no frequency). This variant has not been reported in the literature in individuals affected with NKX2-1-related conditions. Experimental studies and prediction algorithms are not available or were not evaluated, and the functional significance of this variant is currently unknown. In summary, the available evidence is currently insufficient to determine the role of this variant in disease. Therefore, it has been classified as a Variant of Uncertain Significance.